The following is an entry in ClinVar:

NM_138694.4(PKHD1):c.5908G>C (p.Gly1970Arg)

Gene: PKHD1 (PKHD1 ciliary IPT domain containing fibrocystin/polyductin; minus strand). Cytogenetic location: 6p12.2.
Variant type: single nucleotide variant.
Coding change: c.5908G>C on transcript NM_138694.4 (MANE Select); coding-DNA position 5908, G replaced by C.
Protein change: p.Gly1970Arg; replaces glycine 1970 with arginine.
Molecular consequence: missense variant.
Genome position (GRCh38, 1-based): chr6:51,959,870, C>G on the plus strand (G>C on the coding strand, the complement: PKHD1 is on the minus strand). VCF-style: chr6-51959870-C-G. GRCh37 (hg19) VCF-style: chr6-51824668-C-G.
Other names: c.5908G>C, p.Gly1970Arg (NM_170724.3); short protein forms G1970R.
Identifiers: ClinVar variation 196991 (VCV000196991.6), dbSNP rs794727592, ClinGen allele CA244858.

ClinVar aggregate classification (germline): Uncertain significance. Review status: criteria provided, multiple submitters, no conflicts (2 of 4 stars). 2 submissions from 2 submitters: Uncertain significance (2). Last evaluated 2018-11-21.

Submissions (2):

Women's Health and Genetics/Laboratory Corporation of America, LabCorp
Classification: Uncertain significance. Last evaluated: 2018-11-21. Review status: criteria provided, single submitter. Criteria: LabCorp Variant Classification Summary - May 2015. Collection method: clinical testing. Allele origin: germline.
Comment: Variant summary: PKHD1 c.5908G>C (p.Gly1970Arg) results in a non-conservative amino acid change located in the G8 domain of the encoded protein sequence. Five of five in-silico tools predict a damaging effect of the variant on protein function. Several computational tools predict a significant impact on normal splicing: One predict the variant weakens a 5' donor site. Two predict the variant abolishes a 5 splicing donor site. However, these predictions have yet to be confirmed by functional studies. The variant was absent in 245800 control chromosomes (gnomAD). The available data on variant occurrences in the general population are insufficient to allow any conclusion about variant significance. To our knowledge, no occurrence of c.5908G>C in individuals affected with Polycystic Kidney and Hepatic Disease and no experimental evidence demonstrating its impact on protein function have been reported. One clinical diagnostic laboratory has submitted clinical-significance assessments for this variant to ClinVar after 2014 without evidence for independent evaluation and classified the variant as uncertain significance. Based on the evidence outlined above, the variant was classified as uncertain significance.

Eurofins Ntd Llc (ga)
Classification: Uncertain significance. Last evaluated: 2015-03-12. Review status: criteria provided, single submitter. Criteria: EGL Classification Definitions 2015. Collection method: clinical testing. Allele origin: germline. Observed: 1 variant allele, 1 heterozygote.